The following is an entry in ClinVar:

ClinVar aggregate classification (germline): Uncertain significance (1 of 4 stars; one submission).

Conditions:
Hereditary breast ovarian cancer syndrome. Also called: Hereditary breast and ovarian cancer syndrome; Hereditary breast and/or ovarian cancer syndrome; Hereditary breast and ovarian cancer; Breast and ovarian cancer; Hereditary breast and ovarian cancer syndrome (HBOC); BRCA1- and BRCA2-Associated Hereditary Breast and Ovarian Cancer. Identifiers: Orphanet 145, MedGen C0677776, MeSH D061325, MONDO:0003582. Disease mechanism: loss of function.

Submission:

Labcorp Genetics (formerly Invitae), Labcorp
Classification: Uncertain significance for Hereditary breast ovarian cancer syndrome. Last evaluated: 2024-08-28. Review status: criteria provided, single submitter. Criteria: Invitae Variant Classification Sherloc (09022015). Collection method: clinical testing. Allele origin: germline.
Comment: This sequence change falls in intron 15 of the BRCA2 gene. It does not directly change the encoded amino acid sequence of the BRCA2 protein. This variant is not present in population databases (gnomAD no frequency). This variant has not been reported in the literature in individuals affected with BRCA2-related conditions. Studies have shown that this variant is associated with altered splicing resulting in multiple RNA products (internal data). In summary, the available evidence is currently insufficient to determine the role of this variant in disease. Therefore, it has been classified as a Variant of Uncertain Significance.

NM_000059.4(BRCA2):c.7618-314A>G

Gene: BRCA2 (BRCA2 DNA repair associated; plus strand). Cytogenetic location: 13q13.1.
Variant type: single nucleotide variant.
Coding change: c.7618-314A>G on transcript NM_000059.4 (MANE Select); 314 bases into the intron before coding-DNA position 7618, A replaced by G.
Molecular consequence: intron variant.
Genome position (GRCh38, 1-based): chr13:32,357,428, A>G. VCF-style: chr13-32357428-A-G. GRCh37 (hg19) VCF-style: chr13-32931565-A-G.
Other names: c.7618-314A>G (NM_001432077.1, NM_001406720.1); c.7522-314A>G (NM_001406719.1); c.2686-314A>G (NM_001406721.1); c.1201-314A>G (NM_001406722.1).
Identifiers: ClinVar variation 3663555 (VCV003663555.2).
Genomic context (GRCh38, chr13:32,357,428, plus strand): 5'-TGACCACCTGAGGTCACATTCCCTAAAATACTTAAACTTCTCCCTTTTGTTTCCCATCTA[A>G]GTTTTTGAACTTAAGAGATTTTGTAAAACATCACATTTTTTTATCCTCACAGTACCTTCC-3'